The following is an entry in ClinVar:

NM_022039.4(FBXW4):c.1437C>T (p.Ser479=)

Gene: FBXW4 (F-box and WD repeat domain containing 4; minus strand). Cytogenetic location: 10q24.32.
Variant type: single nucleotide variant.
Coding change: c.1437C>T on transcript NM_022039.4 (MANE Select); coding-DNA position 1437, C replaced by T.
Protein change: p.Ser479=; no amino-acid change (serine 479 retained).
Molecular consequence: synonymous variant. On other transcripts: non-coding transcript variant (1).
Genome position (GRCh38, 1-based): chr10:101,612,342, G>A on the plus strand (C>T on the coding strand, the complement: FBXW4 is on the minus strand). VCF-style: chr10-101612342-G-A. GRCh37 (hg19) VCF-style: chr10-103372099-G-A.
Other names: c.711C>T, p.Ser237= (NM_001323541.2).
Identifiers: ClinVar variation 298531 (VCV000298531.5), dbSNP rs574963392, ClinGen allele CA5657251.

ClinVar aggregate classification (germline): Likely benign (1 of 4 stars; one submission).

Conditions:
Split hand-foot malformation 3. Also called: CHROMOSOME 10q24 DUPLICATION SYNDROME; SHSF3; Buttiens Fryns syndrome. Identifiers: Orphanet 1307, MedGen C1838652, MONDO:0009525, OMIM 246560.

Allele frequency attached by ClinVar (database versions not stated): gnomAD 0.00001 and 0.00003; TOPMed 0.00003; gnomAD exomes 0.00008; ExAC 0.00009; 1000 Genomes Project 30x 0.00031; 1000 Genomes Project 0.00040.
gnomAD v4.1: 28 of 1,565,224 alleles (0.0018%); highest among the groups gnomAD compares: East Asian, 0.033%; no homozygotes.

Submission:

Illumina Laboratory Services, Illumina
Classification: Likely benign for Split hand-foot malformation 3. Last evaluated: 2018-01-13. Review status: criteria provided, single submitter. Criteria: ICSL Variant Classification Criteria 13 December 2019. Collection method: clinical testing. Allele origin: germline.
Comment: This variant was observed in the ICSL laboratory as part of a predisposition screen in an ostensibly healthy population. It had not been previously curated by ICSL or reported in the Human Gene Mutation Database (HGMD: prior to June 1st, 2018), and was therefore a candidate for classification through an automated scoring system. Utilizing variant allele frequency, disease prevalence and penetrance estimates, and inheritance mode, an automated score was calculated to assess if this variant is too frequent to cause the disease. Based on the score and internal cut-off values, a variant classified as likely benign is not then subjected to further curation. The score for this variant resulted in a classification of likely benign for this disease.